The following is an entry in ClinVar:

ClinVar aggregate classification (germline): Likely pathogenic (1 of 4 stars; one submission).

Conditions:
ACTA1-related disorder. Also called: ACTA1-related condition.

Submission:

3billion
Classification: Likely pathogenic for ACTA1-related disorder. Last evaluated: 2025-12-08. Review status: criteria provided, single submitter. Criteria: ACMG Guidelines, 2015. Collection method: clinical testing. Allele origin: germline. Affected: yes.
Comment: The variant is not observed in the gnomAD v4.1.0 dataset. Predicted Consequence/Location: Missense variant. Missense changes are a common disease-causing mechanism. In silico tool predictions suggest damaging effect of the variant on gene or gene product [REVEL: 0.95 (>=0.6, sensitivity 0.68 and specificity 0.92); 3Cnet: 1.00 (> 0.75, sensitivity 0.96 and precision 0.92)]. Different missense changes at the same codon (p.Glu95Gly, p.Glu95Lys) have been reported as pathogenic/likely pathogenic with strong evidence (ClinVar ID: VCV000654469, VCV002697196 /PMID: 35810298 /3billion dataset). Therefore, this variant is classified as Likely pathogenic according to the recommendation of ACMG/AMP guideline.

Literature cited by the submitters: PubMed 35810298.

NM_001100.4(ACTA1):c.284A>T (p.Glu95Val)

Gene: ACTA1 (actin alpha 1, skeletal muscle; minus strand). Cytogenetic location: 1q42.13.
Variant type: single nucleotide variant.
Coding change: c.284A>T on transcript NM_001100.4 (MANE Select); coding-DNA position 284, A replaced by T.
Protein change: p.Glu95Val; replaces glutamic acid 95 with valine.
Molecular consequence: missense variant.
Genome position (GRCh38, 1-based): chr1:229,432,726, T>A on the plus strand (A>T on the coding strand, the complement: ACTA1 is on the minus strand). VCF-style: chr1-229432726-T-A. GRCh37 (hg19) VCF-style: chr1-229568473-T-A.
Other names: short protein forms E95V.
Identifiers: ClinVar variation 4855064 (VCV004855064.1).